The following is an entry in ClinVar:

NM_001128148.3(TFRC):c.1682C>T (p.Thr561Ile)

Gene: TFRC (transferrin receptor; minus strand). Cytogenetic location: 3q29.
Variant type: single nucleotide variant.
Coding change: c.1682C>T on transcript NM_001128148.3 (MANE Select); coding-DNA position 1682, C replaced by T.
Protein change: p.Thr561Ile; replaces threonine 561 with isoleucine.
Molecular consequence: missense variant.
Genome position (GRCh38, 1-based): chr3:196,055,297, G>A on the plus strand (C>T on the coding strand, the complement: TFRC is on the minus strand). VCF-style: chr3-196055297-G-A. GRCh37 (hg19) VCF-style: chr3-195782168-G-A.
Other names: c.1439C>T, p.Thr480Ile (NM_001313965.2); c.836C>T, p.Thr279Ile (NM_001313966.2); c.1682C>T, p.Thr561Ile (NM_003234.4); short protein forms T279I, T480I, T561I.
Identifiers: ClinVar variation 1496592 (VCV001496592.6), dbSNP rs780221091, ClinGen allele CA355563776.

ClinVar aggregate classification (germline): Uncertain significance (1 of 4 stars; one submission).

gnomAD v4.1: 1 of 1,613,616 alleles (0.000062%); highest among the groups gnomAD compares: Admixed American, 0.0017%; no homozygotes.

Submission:

Labcorp Genetics (formerly Invitae), Labcorp
Classification: Uncertain significance. Last evaluated: 2022-08-31. Review status: criteria provided, single submitter. Criteria: Invitae Variant Classification Sherloc (09022015). Collection method: clinical testing. Allele origin: germline.
Comment: In summary, the available evidence is currently insufficient to determine the role of this variant in disease. Therefore, it has been classified as a Variant of Uncertain Significance. Algorithms developed to predict the effect of missense changes on protein structure and function (SIFT, PolyPhen-2, Align-GVGD) all suggest that this variant is likely to be tolerated. ClinVar contains an entry for this variant (Variation ID: 1496592). This variant has not been reported in the literature in individuals affected with TFRC-related conditions. This variant is not present in population databases (gnomAD no frequency). This sequence change replaces threonine, which is neutral and polar, with isoleucine, which is neutral and non-polar, at codon 561 of the TFRC protein (p.Thr561Ile).